The following is an entry in ClinVar:

NM_015386.3(COG4):c.2004G>A (p.Lys668=)

Gene: COG4 (component of oligomeric golgi complex 4; minus strand). Cytogenetic location: 16q22.1.
Variant type: single nucleotide variant.
Coding change: c.2004G>A on transcript NM_015386.3 (MANE Select); coding-DNA position 2004, G replaced by A.
Protein change: p.Lys668=; no amino-acid change (lysine 668 retained).
Molecular consequence: synonymous variant. On other transcripts: non-coding transcript variant (1).
Genome position (GRCh38, 1-based): chr16:70,482,092, C>T on the plus strand (G>A on the coding strand, the complement: COG4 is on the minus strand). VCF-style: chr16-70482092-C-T. GRCh37 (hg19) VCF-style: chr16-70515995-C-T.
Other names: c.1929G>A, p.Lys643= (NM_001195139.2); c.1578G>A, p.Lys526= (NM_001365426.1).
Identifiers: ClinVar variation 2261873 (VCV002261873.2), dbSNP rs776728646, ClinGen allele CA8144102.

ClinVar aggregate classification (germline): Uncertain significance (1 of 4 stars; one submission).

Conditions:
Inborn genetic diseases. Identifiers: MedGen C0950123, MeSH D030342.

Allele frequency attached by ClinVar (database versions not stated): gnomAD exomes 0.00001; TOPMed 0.00001; ExAC 0.00002.
gnomAD v4.1: 8 of 1,613,250 alleles (0.0005%); highest among the groups gnomAD compares: African/African-American, 0.0027%; no homozygotes.

Submission:

Ambry Genetics
Classification: Uncertain significance for Inborn genetic diseases. Last evaluated: 2021-12-22. Review status: criteria provided, single submitter. Criteria: Ambry Variant Classification Scheme 2023. Collection method: clinical testing. Allele origin: germline.
Comment: The c.2004G>A (p.K668K) alteration is located in exon 16 (coding exon 16) of the COG4 gene. This alteration consists of a G to A substitution at nucleotide position 2004. This nucleotide substitution does not change the lysine (K) at codon 668. However, this change occurs in the last base pair of coding exon 16, which makes it likely to have some effect on normal mRNA splicing. Based on data from gnomAD, the A allele has an overall frequency of <0.01% (2/251418) total alleles studied. The highest observed frequency was 0.01% (2/16252) of African alleles. This nucleotide position is highly conserved in available vertebrate species. In silico splice site analysis predicts that this alteration will not have any significant effect on splicing. Based on insufficient or conflicting evidence, the clinical significance of this alteration remains unclear.